The following is an entry in ClinVar:

NC_000017.10:g.(?_17129480)_(17136215_?)del

Gene: FLCN (folliculin; minus strand). Cytogenetic location: 17p11.2.
Variant type: Deletion.
Identifiers: ClinVar variation 3242948 (VCV003242948.1).

ClinVar aggregate classification (germline): Pathogenic (1 of 4 stars; one submission).

Conditions:
Birt-Hogg-Dube syndrome. Also called: Birt Hogg Dubé syndrome. Identifiers: Orphanet 122, MedGen C0346010, MONDO:0800444.

Submission:

Labcorp Genetics (formerly Invitae), Labcorp
Classification: Pathogenic for Birt-Hogg-Dube syndrome. Last evaluated: 2023-08-31. Review status: criteria provided, single submitter. Criteria: Invitae Variant Classification Sherloc (09022015). Collection method: clinical testing. Allele origin: unknown.
Comment: This variant is a gross deletion of the genomic region encompassing exon(s) 2-5 of the FLCN gene, which includes the initiator codon. This deletion extends beyond the assayed region for this gene and therefore may encompass additional genes. It is expected to result in an absent or disrupted protein product. Loss-of-function variants in FLCN are known to be pathogenic (PMID: 15852235). A similar copy number variant has been observed in individual(s) with Birt-Hogg-Dub√© syndrome (PMID: 21412933). For these reasons, this variant has been classified as Pathogenic.

Literature cited by the submitters: PubMed 15852235; PubMed 21412933.